The following is an entry in ClinVar:

ClinVar aggregate classification (germline): Uncertain significance. Review status: criteria provided, multiple submitters, no conflicts (2 of 4 stars). 6 submissions from 6 submitters: Uncertain significance (5). 1 of the submissions does not count toward it. Last evaluated 2025-01-06.

Conditions:
Inborn genetic diseases. Identifiers: MedGen C0950123, MeSH D030342.
Developmental and epileptic encephalopathy, 18 (DEE18). Also called: Early infantile epileptic encephalopathy 18. Identifiers: Orphanet 369894, MedGen C3809624, MONDO:0014201, OMIM 615476.
SZT2-related disorder. Also called: SZT2-related condition.

Allele frequency attached by ClinVar (database versions not stated): gnomAD exomes 0.00004 and 0.00007; TOPMed 0.00005; ExAC 0.00006.
gnomAD v4.1: 112 of 1,614,178 alleles (0.0069%); highest among the groups gnomAD compares: Admixed American, 0.01%; no homozygotes.

Submissions (6):

Labcorp Genetics (formerly Invitae), Labcorp
Classification: Uncertain significance. Last evaluated: 2025-01-06. Review status: criteria provided, single submitter. Criteria: Invitae Variant Classification Sherloc (09022015). Collection method: clinical testing. Allele origin: germline.
Comment: This sequence change replaces arginine, which is basic and polar, with tryptophan, which is neutral and slightly polar, at codon 2494 of the SZT2 protein (p.Arg2494Trp). The frequency data for this variant in the population databases is considered unreliable, as metrics indicate poor data quality at this position in the gnomAD database. This variant has not been reported in the literature in individuals affected with SZT2-related conditions. ClinVar contains an entry for this variant (Variation ID: 642010). Invitae Evidence Modeling of protein sequence and biophysical properties (such as structural, functional, and spatial information, amino acid conservation, physicochemical variation, residue mobility, and thermodynamic stability) has been performed for this missense variant. However, the output from this modeling did not meet the statistical confidence thresholds required to predict the impact of this variant on SZT2 protein function. In summary, the available evidence is currently insufficient to determine the role of this variant in disease. Therefore, it has been classified as a Variant of Uncertain Significance.

Genome-Nilou Lab
Classification: Uncertain significance for Developmental and epileptic encephalopathy, 18. Last evaluated: 2023-04-11. Review status: criteria provided, single submitter. Criteria: ACMG Guidelines, 2015. Collection method: clinical testing. Allele origin: germline. Affected: no.

GeneDx
Classification: Uncertain significance. Last evaluated: 2023-03-12. Review status: criteria provided, single submitter. Criteria: GeneDx Variant Classification Process June 2021. Collection method: clinical testing. Allele origin: germline. Affected: yes.
Comment: Not observed at a significant frequency in large population cohorts (gnomAD); In silico analysis supports that this missense variant has a deleterious effect on protein structure/function; Has not been previously published as pathogenic or benign to our knowledge

Ambry Genetics
Classification: Uncertain significance for Inborn genetic diseases. Last evaluated: 2017-09-06. Review status: criteria provided, single submitter. Criteria: Ambry Variant Classification Scheme 2023. Collection method: clinical testing. Allele origin: germline.
Comment: The p.R2494W variant (also known as c.7480C>T), located in coding exon 54 of the SZT2 gene, results from a C to T substitution at nucleotide position 7480. The arginine at codon 2494 is replaced by tryptophan, an amino acid with dissimilar properties. This amino acid position is well conserved in available vertebrate species. In addition, the in silico prediction for this alteration is inconclusive. Since supporting evidence is limited at this time, the clinical significance of this alteration remains unclear.

Juno Genomics, Hangzhou Juno Genomics, Inc
Classification: Uncertain significance for Developmental and epileptic encephalopathy, 18. Review status: criteria provided, single submitter. Criteria: ACMG Guidelines, 2015. Collection method: clinical testing. Allele origin: germline. Affected: yes.
Comment: Absent from controls (or at extremely low frequency if recessive) in Genome Aggregation Database, Exome Sequencing Project, 1000 Genomes Project, or Exome Aggregation Consortium.;Missense variant in a gene that has a low rate of benign missense variation and where missense variants are a common mechanism of disease.;Patient's phenotype or family history is highly specific for a disease with a single genetic etiology.

PreventionGenetics, part of Exact Sciences
Classification: Uncertain significance for SZT2-related condition. Last evaluated: 2024-05-08. Review status: no assertion criteria provided. Collection method: clinical testing. Allele origin: germline. Not counted in ClinVar's aggregate classification.
Comment: The SZT2 c.7480C>T variant is predicted to result in the amino acid substitution p.Arg2494Trp. To our knowledge, this variant has not been reported in the literature. This variant is reported in 0.0070% of alleles in individuals of European (Non-Finnish) descent in gnomAD. At this time, the clinical significance of this variant is uncertain due to the absence of conclusive functional and genetic evidence.

NM_001365999.1(SZT2):c.7651C>T (p.Arg2551Trp)

Gene: SZT2 (SZT2 subunit of KICSTOR complex; plus strand). Cytogenetic location: 1p34.2.
Variant type: single nucleotide variant.
Coding change: c.7651C>T on transcript NM_001365999.1 (MANE Select); coding-DNA position 7651, C replaced by T.
Protein change: p.Arg2551Trp; replaces arginine 2551 with tryptophan.
Molecular consequence: missense variant.
Genome position (GRCh38, 1-based): chr1:43,441,727, C>T. VCF-style: chr1-43441727-C-T. GRCh37 (hg19) VCF-style: chr1-43907398-C-T.
Other names: c.7480C>T, p.Arg2494Trp (NM_015284.4); short protein forms R2494W, R2551W.
Identifiers: ClinVar variation 642010 (VCV000642010.16), dbSNP rs749179825, ClinGen allele CA810287.